The following is an entry in ClinVar:

NM_001013838.3(CARMIL2):c.4082T>C (p.Val1361Ala)

Gene: CARMIL2 (capping protein regulator and myosin 1 linker 2; plus strand). Cytogenetic location: 16q22.1.
Variant type: single nucleotide variant.
Coding change: c.4082T>C on transcript NM_001013838.3 (MANE Select); coding-DNA position 4082, T replaced by C.
Protein change: p.Val1361Ala; replaces valine 1361 with alanine.
Molecular consequence: missense variant. On other transcripts: intron variant (1).
Genome position (GRCh38, 1-based): chr16:67,656,846, T>C. VCF-style: chr16-67656846-T-C. GRCh37 (hg19) VCF-style: chr16-67690749-T-C.
Other names: c.3941T>C, p.Val1314Ala (NM_001438244.1); c.3974T>C, p.Val1325Ala (NM_001438835.1); c.3928+201T>C (NM_001317026.3); short protein forms V1314A, V1325A, V1361A.
Identifiers: ClinVar variation 4773309 (VCV004773309.1).

ClinVar aggregate classification (germline): Uncertain significance (1 of 4 stars; one submission).

Submission:

Labcorp Genetics (formerly Invitae), Labcorp
Classification: Uncertain significance. Last evaluated: 2025-06-19. Review status: criteria provided, single submitter. Criteria: Invitae Variant Classification Sherloc (09022015). Collection method: clinical testing. Allele origin: germline.
Comment: This sequence change replaces valine, which is neutral and non-polar, with alanine, which is neutral and non-polar, at codon 1361 of the CARMIL2 protein (p.Val1361Ala). This variant is not present in population databases (gnomAD no frequency). This variant has not been reported in the literature in individuals affected with CARMIL2-related conditions. An algorithm developed to predict the effect of missense changes on protein structure and function (PolyPhen-2) suggests that this variant is likely to be disruptive. In summary, the available evidence is currently insufficient to determine the role of this variant in disease. Therefore, it has been classified as a Variant of Uncertain Significance.